The following is an entry in ClinVar:

ClinVar aggregate classification (germline): Uncertain significance (1 of 4 stars; one submission).

Conditions:
Inflammatory skin and bowel disease, neonatal, 1. Identifiers: Orphanet 294023, MedGen C3280501, MONDO:0013693, OMIM 614328.

Submission:

Labcorp Genetics (formerly Invitae), Labcorp
Classification: Uncertain significance for Inflammatory skin and bowel disease, neonatal, 1. Last evaluated: 2021-01-04. Review status: criteria provided, single submitter. Criteria: Invitae Variant Classification Sherloc (09022015). Collection method: clinical testing. Allele origin: germline.
Comment: This sequence change creates a premature translational stop signal (p.Ser747Phefs*32) in the ADAM17 gene. While this is not anticipated to result in nonsense mediated decay, it is expected to disrupt the last 78 amino acid(s) of the ADAM17 protein. This variant is not present in population databases (ExAC no frequency). This variant has not been reported in the literature in individuals with ADAM17-related conditions. Experimental studies and prediction algorithms are not available or were not evaluated, and the functional significance of this variant is currently unknown. In summary, the available evidence is currently insufficient to determine the role of this variant in disease. Therefore, it has been classified as a Variant of Uncertain Significance.

NM_003183.6(ADAM17):c.2237dup (p.Ser747fs)

Genes: IAH1 (isoamyl acetate hydrolyzing esterase 1 (putative); plus strand), ADAM17 (ADAM metallopeptidase domain 17; minus strand). Cytogenetic location: 2p25.1.
Variant type: Duplication.
Coding change: c.2237dup on transcript NM_003183.6 (MANE Select); coding-DNA position 2237, one base duplicated (C; older notation c.2237dupC).
Protein change: p.Ser747fs; shifts the reading frame from serine 747.
Molecular consequence: frameshift variant.
Genome position (GRCh38, 1-based): chr2:9,490,415, G duplicated on the plus strand (C on the coding strand, the reverse complement: ADAM17 is on the minus strand); the first of 3 consecutive G bases (chr2:9,490,415-9,490,417); duplicating any one gives the same sequence. VCF-style (leftmost placement, unchanged base first): chr2-9490414-A-AG. GRCh37 (hg19) VCF-style: chr2-9630543-A-AG.
Other names: c.1577dup, p.Ser527fs (NM_001382777.1); c.1340dup, p.Ser448fs (NM_001382778.1); short protein forms S527fs, S747fs, S448fs.
Identifiers: ClinVar variation 1514442 (VCV001514442.3), dbSNP rs1662030392, ClinGen allele CA2573135852.
Genomic context (GRCh38, chr2:9,490,414, plus strand): 5'-GGGGTCTTCCTGGATGGTGTCCATTCTCTGGTGGTCCAGTTTTGGAGCTGCTGGCGCCGA[A>AG]GGGATCACAGGGGCAGGCTGCAGGCGGCCTGGAGTCTGGGGCGCAGGAAAGGGTTTGATA-3'